The following is an entry in ClinVar:

NM_001953.5(TYMP):c.831G>A (p.Leu277=)

Gene: TYMP (thymidine phosphorylase; minus strand). Cytogenetic location: 22q13.33.
Variant type: single nucleotide variant.
Coding change: c.831G>A on transcript NM_001953.5 (MANE Select); coding-DNA position 831, G replaced by A.
Protein change: p.Leu277=; no amino-acid change (leucine 277 retained).
Molecular consequence: synonymous variant.
Genome position (GRCh38, 1-based): chr22:50,526,673, C>T on the plus strand (G>A on the coding strand, the complement: TYMP is on the minus strand). VCF-style: chr22-50526673-C-T. GRCh37 (hg19) VCF-style: chr22-50965102-C-T.
Other names: p.L277L:CTG>CTA; c.831G>A, p.Leu277= (NM_001113755.3, NM_001113756.3, NM_001257988.1 and 3 more transcripts).
Identifiers: ClinVar variation 137873 (VCV000137873.21), dbSNP rs8141558, ClinGen allele CA291570.
Genomic context (GRCh38, chr22:50,526,673, plus strand): 5'-TGCGCCGTCCATGCAGAGCAGCGCCTCCTCCACCTCCAGGGCGTGGCCCACGCAGCGACC[C>T]AGGGGCTTGTCCATGGCGGTCAGCGCTGCCGCGACCCGAAGCCCTAGGCTGGCTCCCACG-3'
Protein context (NP_001944.1, residues 267-287): AAALTAMDKP[Leu277=]GRCVGHALEV

ClinVar aggregate classification (germline): Benign/Likely benign. Review status: criteria provided, multiple submitters, no conflicts (2 of 4 stars). 7 submissions from 7 submitters: Benign (4); Likely benign (1). 2 of the submissions do not count toward it. Last evaluated 2026-02-01.

Conditions:
Mitochondrial neurogastrointestinal encephalomyopathy. Also called: Mitochondrial neurogastrointestinal encephalopathy syndrome; MNGIE syndrome; Thymidine phosphorylase deficiency. Identifiers: Orphanet 298, MedGen C0872218, MONDO:0017575.

Allele frequency attached by ClinVar (database versions not stated): gnomAD 0.03231 and 0.03453; 1000 Genomes Project 0.03534; TOPMed 0.03645; 1000 Genomes Project 30x 0.03654; gnomAD exomes 0.00832; ExAC 0.01516; ESP Exome Variant Server 0.03081.

Submissions (7):

Labcorp Genetics (formerly Invitae), Labcorp
Classification: Benign. Last evaluated: 2026-02-01. Review status: criteria provided, single submitter. Criteria: Invitae Variant Classification Sherloc (09022015). Collection method: clinical testing. Allele origin: germline.

Athena Diagnostics
Classification: Benign. Last evaluated: 2019-04-30. Review status: criteria provided, single submitter. Criteria: Athena Diagnostics Criteria. Collection method: clinical testing. Allele origin: germline.

GeneDx
Classification: Benign. Last evaluated: 2011-07-18. Review status: criteria provided, single submitter. Criteria: GeneDx Variant Classification (06012015). Collection method: clinical testing. Allele origin: germline. Affected: yes.
Comment: This variant is considered likely benign or benign based on one or more of the following criteria: it is a conservative change, it occurs at a poorly conserved position in the protein, it is predicted to be benign by multiple in silico algorithms, and/or has population frequency not consistent with disease.

Breakthrough Genomics
Classification: Likely benign. Review status: criteria provided, single submitter. Criteria: ACMG Guidelines, 2015. Collection method: not provided. Allele origin: germline. Inheritance: Autosomal recessive inheritance. Affected: yes.

PreventionGenetics, part of Exact Sciences
Classification: Benign. Review status: criteria provided, single submitter. Criteria: ACMG Guidelines, 2015. Collection method: clinical testing. Allele origin: germline.

Natera, Inc.
Classification: Benign for Mitochondrial neurogastrointestinal encephalomyopathy. Last evaluated: 2020-09-16. Review status: no assertion criteria provided. Collection method: clinical testing. Allele origin: germline. Not counted in ClinVar's aggregate classification.

Mayo Clinic Laboratories, Mayo Clinic
Classification: Benign. Last evaluated: 2016-02-29. Review status: no assertion criteria provided. Collection method: clinical testing. Allele origin: unknown. Not counted in ClinVar's aggregate classification.